The following is an entry in ClinVar:

NM_201525.4(ADGRG1):c.65-2A>C

Gene: ADGRG1 (adhesion G protein-coupled receptor G1; plus strand). Cytogenetic location: 16q21.
Variant type: single nucleotide variant.
Coding change: c.65-2A>C on transcript NM_201525.4 (MANE Select); the canonical splice acceptor site of the intron before coding-DNA position 65, A replaced by C.
Molecular consequence: splice acceptor variant. On other transcripts: synonymous variant (2), 5 prime UTR variant (1), intron variant (5).
Genome position (GRCh38, 1-based): chr16:57,651,198, A>C. VCF-style: chr16-57651198-A-C. GRCh37 (hg19) VCF-style: chr16-57685110-A-C.
Other names: c.78A>C, p.Ser26= (NM_001145773.3, NM_001370433.1); c.-463A>C (NM_001370453.1); c.65-2A>C (NM_001370440.1, NM_001370428.1, NM_001370436.1 and 17 more transcripts); c.-418-45A>C (NM_001370451.1, NM_001290143.2, NM_001290144.2); c.65-158A>C (NM_001370442.1); c.-414-49A>C (NM_001370454.1).
Identifiers: ClinVar variation 4815452 (VCV004815452.1).
Genomic context (GRCh38, chr16:57,651,198, plus strand): 5'-CCCTTCCATGCCTCTGGTCAGCCCCTGCCACGGGGTCCCATCTGCAGCCTCTGCCTCCTC[A>C]GGTGCCCACGGCAGGGGCCACAGGGAAGACTTTCGCTTCTGCAGCCAGCGGAACCAGACA-3'

ClinVar aggregate classification (germline): Likely pathogenic (1 of 4 stars; one submission).

Conditions:
Bilateral frontoparietal polymicrogyria. Also called: CEREBELLAR ATAXIA WITH NEURONAL MIGRATION DEFECT; CORTICAL DYSPLASIA, COMPLEX, WITH OTHER BRAIN MALFORMATIONS 14A (BILATERAL FRONTOPARIETAL). Identifiers: Orphanet 101070, MedGen C1847352, MONDO:0011738, OMIM 606854.

Submission:

Natera, Inc.
Classification: Likely pathogenic for Bilateral frontoparietal polymicrogyria. Last evaluated: 2024-07-29. Review status: criteria provided, single submitter. Criteria: Natera Variant Classification Schema (03/2026). Collection method: clinical testing. Allele origin: germline.
Comment: The c.65-2A>C variant in ADGRG1 is a canonical splice acceptor site variant predicted to affect pre-mRNA splicing, which may result in an abnormal transcript and altered protein product. This variant is expected to result in nonsense mediated decay, truncation, or a dysfunctional protein product. This variant is rare in the general population with a frequency below the threshold expected for the associated phenotype(s). Given the available evidence, this variant is classified as Likely Pathogenic.